The following is an entry in ClinVar:

NM_007217.4(PDCD10):c.394A>T (p.Lys132Ter)

Gene: PDCD10 (programmed cell death 10; minus strand). Cytogenetic location: 3q26.1.
Variant type: single nucleotide variant.
Coding change: c.394A>T on transcript NM_007217.4 (MANE Select); coding-DNA position 394, A replaced by T.
Protein change: p.Lys132Ter; replaces lysine 132 with a stop codon.
Molecular consequence: nonsense.
Genome position (GRCh38, 1-based): chr3:167,695,597, T>A on the plus strand (A>T on the coding strand, the complement: PDCD10 is on the minus strand). VCF-style: chr3-167695597-T-A. GRCh37 (hg19) VCF-style: chr3-167413385-T-A.
Other names: c.394A>T, p.Lys132Ter (NM_145859.2, NM_145860.2); short protein forms K132*.
Identifiers: ClinVar variation 649296 (VCV000649296.8), dbSNP rs1577329627, ClinGen allele CA355154393.

ClinVar aggregate classification (germline): Pathogenic (1 of 4 stars; one submission).

Conditions:
Cerebral cavernous malformation 3. Also called: Familial Cerebral Cavernous Malformation 3. Identifiers: Orphanet 221061, MedGen C1864040, MONDO:0011305, OMIM 603285.

Submission:

Labcorp Genetics (formerly Invitae), Labcorp
Classification: Pathogenic for Cerebral cavernous malformation 3. Last evaluated: 2019-02-04. Review status: criteria provided, single submitter. Criteria: Invitae Variant Classification Sherloc (09022015). Collection method: clinical testing. Allele origin: germline.
Comment: For these reasons, this variant has been classified as Pathogenic. Loss-of-function variants in PDCD10 are known to be pathogenic (PMID: 15543491, 18300272, 23801932). This variant has not been reported in the literature in individuals with PDCD10-related disease. This variant is not present in population databases (ExAC no frequency). This sequence change creates a premature translational stop signal (p.Lys132*) in the PDCD10 gene. It is expected to result in an absent or disrupted protein product.

Literature cited by the submitters: PubMed 15543491; PubMed 18300272; PubMed 23801932.